The following is an entry in ClinVar:

NM_015047.3(EMC1):c.60_61delinsTC (p.Ala21Pro)

Gene: EMC1 (ER membrane protein complex subunit 1; minus strand). Cytogenetic location: 1p36.13.
Variant type: Indel.
Coding change: c.60_61delinsTC on transcript NM_015047.3 (MANE Select); coding-DNA positions 60 to 61, CG replaced by TC.
Protein change: p.Ala21Pro; replaces alanine 21 with proline.
Molecular consequence: missense variant.
Genome position (GRCh38, 1-based): chr1:19,251,449-19,251,450, CG replaced by GA on the plus strand (CG replaced by TC on the coding strand, the reverse complement: EMC1 is on the minus strand). VCF-style: chr1-19251449-CG-GA. GRCh37 (hg19) VCF-style: chr1-19577943-CG-GA.
Other names: c.60_61delinsTC, p.Ala21Pro (NM_001271427.2, NM_001271428.2, NM_001271429.2 and 2 more transcripts); short protein forms A21P.
Identifiers: ClinVar variation 1470218 (VCV001470218.6), dbSNP rs2151970275, ClinGen allele CA2573130914.

ClinVar aggregate classification (germline): Uncertain significance (1 of 4 stars; one submission).

Submission:

Labcorp Genetics (formerly Invitae), Labcorp
Classification: Uncertain significance. Last evaluated: 2021-11-24. Review status: criteria provided, single submitter. Criteria: Invitae Variant Classification Sherloc (09022015). Collection method: clinical testing. Allele origin: germline.
Comment: This sequence change replaces alanine, which is neutral and non-polar, with proline, which is neutral and non-polar, at codon 21 of the EMC1 protein (p.Ala21Pro). Information on the frequency of this variant in the gnomAD database is not available, as this variant may be reported differently in the database. This variant has not been reported in the literature in individuals affected with EMC1-related conditions. Experimental studies and prediction algorithms are not available or were not evaluated, and the functional significance of this variant is currently unknown. In summary, the available evidence is currently insufficient to determine the role of this variant in disease. Therefore, it has been classified as a Variant of Uncertain Significance.